The following is an entry in ClinVar:

NM_001371986.1(UNC80):c.2018G>A (p.Cys673Tyr)

Gene: UNC80 (unc-80 homolog, NALCN channel complex subunit; plus strand). Cytogenetic location: 2q34.
Variant type: single nucleotide variant.
Coding change: c.2018G>A on transcript NM_001371986.1 (MANE Select); coding-DNA position 2018, G replaced by A.
Protein change: p.Cys673Tyr; replaces cysteine 673 with tyrosine.
Molecular consequence: missense variant.
Genome position (GRCh38, 1-based): chr2:209,820,366, G>A. VCF-style: chr2-209820366-G-A. GRCh37 (hg19) VCF-style: chr2-210685090-G-A.
Other names: c.2018G>A, p.Cys673Tyr (NM_032504.2, NM_182587.4); short protein forms C673Y.
Identifiers: ClinVar variation 2663719 (VCV002663719.1), dbSNP rs1008782983, ClinGen allele CA64669243.
Genomic context (GRCh38, chr2:209,820,366, plus strand): 5'-CTCAGGTAGTTCTGAAGGCTGTTTATCTTGTCCTTAATCATGACATCAGCTCTCGTATCT[G>A]TGACGTGGCGCTAAACATTGTGGAATGCTTGCTTCAACTTGGTGTGGTGCCCTGTGTAGA-3'
Protein context (NP_001358915.1, residues 663-683): VLNHDISSRI[Cys673Tyr]DVALNIVECL

ClinVar aggregate classification (germline): Uncertain significance (1 of 4 stars; one submission).

Allele frequency attached by ClinVar (database versions not stated): gnomAD exomes 0.00001; TOPMed 0.00001.
gnomAD v4.1: 11 of 1,551,850 alleles (0.00071%); highest among the groups gnomAD compares: Non-Finnish European, 0.00096%; no homozygotes.

Submission:

GeneDx
Classification: Uncertain significance. Last evaluated: 2023-04-03. Review status: criteria provided, single submitter. Criteria: GeneDx Variant Classification Process June 2021. Collection method: clinical testing. Allele origin: germline. Affected: yes.
Comment: Not observed at significant frequency in large population cohorts (gnomAD); In silico analysis supports that this missense variant has a deleterious effect on protein structure/function; Has not been previously published as pathogenic or benign to our knowledge